The following is an entry in ClinVar:

NM_201384.3(PLEC):c.9424G>A (p.Gly3142Ser)

Gene: PLEC (plectin; minus strand). Cytogenetic location: 8q24.3.
Variant type: single nucleotide variant.
Coding change: c.9424G>A on transcript NM_201384.3 (MANE Select); coding-DNA position 9424, G replaced by A.
Protein change: p.Gly3142Ser; replaces glycine 3142 with serine.
Molecular consequence: missense variant.
Genome position (GRCh38, 1-based): chr8:143,920,397, C>T on the plus strand (G>A on the coding strand, the complement: PLEC is on the minus strand). VCF-style: chr8-143920397-C-T. GRCh37 (hg19) VCF-style: chr8-144994565-C-T.
Other names: c.9505G>A, p.Gly3169Ser (NM_000445.5); c.9382G>A, p.Gly3128Ser (NM_201378.4); c.9358G>A, p.Gly3120Ser (NM_201379.3); c.9835G>A, p.Gly3279Ser (NM_201380.4); c.9328G>A, p.Gly3110Ser (NM_201381.3); c.9424G>A, p.Gly3142Ser (NM_201382.4); c.9436G>A, p.Gly3146Ser (NM_201383.3); c.9505G>A (NM_000445.4); short protein forms G3110S, G3120S, G3128S, G3142S, G3146S, G3169S, G3279S.
Identifiers: ClinVar variation 500736 (VCV000500736.23), dbSNP rs373523333, ClinGen allele CA4924973.
Genomic context (GRCh38, chr8:143,920,397, plus strand): 5'-AGCCTCGGGCGCAGGCGACATCCAGGGGCACGCGGTGGCTCTTGCTGGGGTCCACGATGC[C>T]GCCCGTGGACAGCTGGGCGTCCAACAGGCGCAGGCCCTGCTCCCGGGGAATGAGGCCCTT-3'
Protein context (NP_958786.1, residues 3132-3152): RLLDAQLSTG[Gly3142Ser]IVDPSKSHRV

ClinVar aggregate classification (germline): Uncertain significance. Review status: criteria provided, multiple submitters, no conflicts (2 of 4 stars). 4 submissions from 4 submitters: Uncertain significance (4). Last evaluated 2025-03-12.

Conditions:
Epidermolysis bullosa simplex 5B, with muscular dystrophy (EBS5B). Also called: EPIDERMOLYSIS BULLOSA SIMPLEX AND LIMB-GIRDLE MUSCULAR DYSTROPHY; Epidermolysis bullosa simplex with muscular dystrophy. Identifiers: Orphanet 257, MedGen C2931072, MONDO:0009181, OMIM 226670.
Epidermolysis bullosa simplex, Ogna type (EBS5A). Also called: Pidermolysis bullosa simplex 5A, Ogna type; EPIDERMOLYSIS BULLOSA SIMPLEX 5A, OGNA TYPE. Identifiers: Orphanet 79401, MedGen C0432317, MONDO:0007555, OMIM 131950.
Autosomal recessive limb-girdle muscular dystrophy type 2Q (LGMDR17). Also called: MUSCULAR DYSTROPHY, LIMB-GIRDLE, AUTOSOMAL RECESSIVE 17. Identifiers: Orphanet 254361, MedGen C3150989, MONDO:0013390, OMIM 613723.
Epidermolysis bullosa simplex 5C, with pyloric atresia (EBS5C). Also called: Epidermolysis bullosa simplex with pyloric atresia; PLEC1-Related Epidermolysis Bullosa with Pyloric Atresia; PLEC-Related Epidermolysis Bullosa with Pyloric Atresia. Identifiers: Orphanet 158684, MedGen C2677349, MONDO:0012807, OMIM 612138.
Epidermolysis bullosa simplex with nail dystrophy (EBS5D). Identifiers: MedGen C4225309, MONDO:0014661, OMIM 616487.
Primary dilated cardiomyopathy (DCM). Also called: Dilated Cardiomyopathy. Identifiers: Orphanet 217604, MedGen C0007193, MeSH D002311, MONDO:0005021, HP:0001644. Inheritance: Various modes of inheritance.

Allele frequency attached by ClinVar (database versions not stated): gnomAD 0.00004 and 0.00005; gnomAD exomes 0.00004 and 0.00008; TOPMed 0.00005; ExAC 0.00007; ESP Exome Variant Server 0.00008.
gnomAD v4.1: 124 of 1,590,696 alleles (0.0078%); highest among the groups gnomAD compares: Non-Finnish European, 0.0096%; no homozygotes.

Submissions (4):

Labcorp Genetics (formerly Invitae), Labcorp
Classification: Uncertain significance for Autosomal recessive limb-girdle muscular dystrophy type 2Q; Epidermolysis bullosa simplex, Ogna type; Epidermolysis bullosa simplex with nail dystrophy; Epidermolysis bullosa simplex 5C, with pyloric atresia; Epidermolysis bullosa simplex 5B, with muscular dystrophy. Last evaluated: 2025-03-12. Review status: criteria provided, single submitter. Criteria: Invitae Variant Classification Sherloc (09022015). Collection method: clinical testing. Allele origin: germline.
Comment: This sequence change replaces glycine, which is neutral and non-polar, with serine, which is neutral and polar, at codon 3169 of the PLEC protein (p.Gly3169Ser). This variant is present in population databases (rs373523333, gnomAD 0.009%). This variant has not been reported in the literature in individuals affected with PLEC-related conditions. ClinVar contains an entry for this variant (Variation ID: 500736). An algorithm developed to predict the effect of missense changes on protein structure and function (PolyPhen-2) suggests that this variant is likely to be disruptive. In summary, the available evidence is currently insufficient to determine the role of this variant in disease. Therefore, it has been classified as a Variant of Uncertain Significance.

Revvity Omics, Revvity
Classification: Uncertain significance. Last evaluated: 2024-12-23. Review status: criteria provided, single submitter. Criteria: ACMG Guidelines, 2015. Collection method: clinical testing. Allele origin: germline.

Clinical Center for Gene Diagnosis and Therapy, Department of Cardiovascular Surgery, The Second Xiangya Hospital of Central South University
Classification: Uncertain significance for Primary dilated cardiomyopathy. Last evaluated: 2023-06-01. Review status: criteria provided, single submitter. Criteria: ACMG Guidelines, 2015. Collection method: clinical testing. Allele origin: germline. Affected: yes.

Eurofins Ntd Llc (ga)
Classification: Uncertain significance. Last evaluated: 2017-03-08. Review status: criteria provided, single submitter. Criteria: EGL Classification Definitions 2015. Collection method: clinical testing. Allele origin: germline. Observed: 1 variant allele, 1 heterozygote.